The following is an entry in ClinVar:

ClinVar aggregate classification (germline): Uncertain significance (1 of 4 stars; one submission).

Conditions:
Capillary malformation-arteriovenous malformation syndrome. Also called: Capillary malformation-arteriovenous malformation. Identifiers: Orphanet 137667, MedGen C1842180, MONDO:0012016.

gnomAD v4.1: 3 of 1,612,706 alleles (0.00019%); highest among the groups gnomAD compares: Non-Finnish European, 0.00025%; no homozygotes.

Submission:

Labcorp Genetics (formerly Invitae), Labcorp
Classification: Uncertain significance for Capillary malformation-arteriovenous malformation syndrome. Last evaluated: 2025-03-05. Review status: criteria provided, single submitter. Criteria: Invitae Variant Classification Sherloc (09022015). Collection method: clinical testing. Allele origin: germline.
Comment: This sequence change replaces alanine, which is neutral and non-polar, with valine, which is neutral and non-polar, at codon 92 of the RASA1 protein (p.Ala92Val). This variant is not present in population databases (gnomAD no frequency). This variant has not been reported in the literature in individuals affected with RASA1-related conditions. An algorithm developed to predict the effect of missense changes on protein structure and function (PolyPhen-2) suggests that this variant is likely to be disruptive. In summary, the available evidence is currently insufficient to determine the role of this variant in disease. Therefore, it has been classified as a Variant of Uncertain Significance.

NM_002890.3(RASA1):c.275C>T (p.Ala92Val)

Gene: RASA1 (RAS p21 protein activator 1; plus strand). Cytogenetic location: 5q14.3.
Variant type: single nucleotide variant.
Coding change: c.275C>T on transcript NM_002890.3 (MANE Select); coding-DNA position 275, C replaced by T.
Protein change: p.Ala92Val; replaces alanine 92 with valine.
Molecular consequence: missense variant.
Genome position (GRCh38, 1-based): chr5:87,268,726, C>T. VCF-style: chr5-87268726-C-T. GRCh37 (hg19) VCF-style: chr5-86564543-C-T.
Other names: short protein forms A92V.
Identifiers: ClinVar variation 4762682 (VCV004762682.1).
Genomic context (GRCh38, chr5:87,268,726, plus strand): 5'-TAGGAGCCGGGTCTGTGGCAGGGGCACTGGGGGGAGCTGGACTGACAGGGGGAGGTACTG[C>T]TGCTGGCGTAGCTGGTGCTGCTGCTGGCGTGGCCGGTGCTGCTGTTGCTGGACCTAGTGG-3'
Protein context (NP_002881.1, residues 82-102): GGAGLTGGGT[Ala92Val]AGVAGAAAGV